The following is an entry in ClinVar:

NM_012202.5(GNG3):c.135T>C (p.Cys45=)

Genes: BSCL2 (BSCL2 lipid droplet biogenesis associated, seipin; minus strand), GNG3 (G protein subunit gamma 3; plus strand), HNRNPUL2-BSCL2 (HNRNPUL2-BSCL2 readthrough (NMD candidate); minus strand), LOC126861228 (CDK7 strongly-dependent group 2 enhancer GRCh37_chr11:62475600-62476799; plus strand). Cytogenetic location: 11q12.3.
Variant type: single nucleotide variant.
Coding change: c.135T>C on transcript NM_012202.5 (MANE Select); coding-DNA position 135, T replaced by C.
Protein change: p.Cys45=; no amino-acid change (cysteine 45 retained).
Molecular consequence: synonymous variant.
Genome position (GRCh38, 1-based): chr11:62,708,713, T>C. VCF-style: chr11-62708713-T-C. GRCh37 (hg19) VCF-style: chr11-62476185-T-C.
Identifiers: ClinVar variation 754668 (VCV000754668.16), dbSNP rs571336571, ClinGen allele CA6053744.

ClinVar aggregate classification (germline): Benign/Likely benign. Review status: criteria provided, multiple submitters, no conflicts (2 of 4 stars). 2 submissions from 2 submitters: Benign (1); Likely benign (1). Last evaluated 2025-11-01.

Allele frequency attached by ClinVar (database versions not stated): gnomAD exomes 0.00065 and 0.00121; ExAC 0.00125; 1000 Genomes Project 30x 0.00172; 1000 Genomes Project 0.00200; gnomAD 0.00001 and 0.00028; TOPMed 0.00006.
gnomAD v4.1: 993 of 1,614,072 alleles (0.062%); highest among the groups gnomAD compares: South Asian, 0.95%; 13 homozygotes.

Submissions (2):

CeGaT Center for Human Genetics Tuebingen
Classification: Likely benign. Last evaluated: 2025-11-01. Review status: criteria provided, single submitter. Criteria: CeGaT Center For Human Genetics Tuebingen Variant Classification Criteria Version 2. Collection method: clinical testing. Allele origin: germline. Affected: yes. Observed: 2 variant alleles.
Comment: GNG3: BP4, BS2

Labcorp Genetics (formerly Invitae), Labcorp
Classification: Benign. Last evaluated: 2018-06-23. Review status: criteria provided, single submitter. Criteria: Invitae Variant Classification Sherloc (09022015). Collection method: clinical testing. Allele origin: germline.